The following is an entry in ClinVar:

NM_020923.3(ZDBF2):c.4728C>T (p.Asp1576=)

Gene: ZDBF2 (zinc finger DBF-type containing 2; plus strand). Cytogenetic location: 2q33.3.
Variant type: single nucleotide variant.
Coding change: c.4728C>T on transcript NM_020923.3 (MANE Select); coding-DNA position 4728, C replaced by T.
Protein change: p.Asp1576=; no amino-acid change (aspartic acid 1576 retained).
Molecular consequence: synonymous variant.
Genome position (GRCh38, 1-based): chr2:206,309,256, C>T. VCF-style: chr2-206309256-C-T. GRCh37 (hg19) VCF-style: chr2-207173980-C-T.
Other names: c.4722C>T, p.Asp1574= (NM_001285549.2); c.4728C>T, p.Asp1576= (NM_001369654.1).
Identifiers: ClinVar variation 2651840 (VCV002651840.24), dbSNP rs553699225, ClinGen allele CA2072337.

ClinVar aggregate classification (germline): Likely benign (1 of 4 stars; one submission).

Allele frequency attached by ClinVar (database versions not stated): 1000 Genomes Project 30x 0.00016; 1000 Genomes Project 0.00020; gnomAD 0.00030; TOPMed 0.00032; gnomAD exomes 0.00034; ExAC 0.00054.
gnomAD v4.1: 570 of 1,609,750 alleles (0.035%); highest among the groups gnomAD compares: Middle Eastern, 0.083%; no homozygotes.

Submission:

CeGaT Center for Human Genetics Tuebingen
Classification: Likely benign. Last evaluated: 2022-11-01. Review status: criteria provided, single submitter. Criteria: CeGaT Center For Human Genetics Tuebingen Variant Classification Criteria Version 2. Collection method: clinical testing. Allele origin: germline. Affected: yes. Observed: 1 variant allele.
Comment: ZDBF2: BP4, BP7